The following is an entry in ClinVar:

NM_000127.3(EXT1):c.423del (p.Arg142fs)

Gene: EXT1 (exostosin glycosyltransferase 1; minus strand). Cytogenetic location: 8q24.11.
Variant type: Deletion.
Coding change: c.423del on transcript NM_000127.3 (MANE Select); coding-DNA position 423, one base deleted (C; older notation c.423delC).
Protein change: p.Arg142fs; shifts the reading frame from arginine 142.
Molecular consequence: frameshift variant.
Genome position (GRCh38, 1-based): chr8:118,110,624, G deleted on the plus strand (C on the coding strand, the reverse complement: EXT1 is on the minus strand); the first of 2 consecutive G bases (chr8:118,110,624-118,110,625); deleting either gives the same sequence. VCF-style (leftmost placement, unchanged base first): chr8-118110623-TG-T. GRCh37 (hg19) VCF-style: chr8-119122862-TG-T.
Other names: short protein forms R142fs.
Identifiers: ClinVar variation 3722973 (VCV003722973.2).

ClinVar aggregate classification (germline): Pathogenic (1 of 4 stars; one submission).

Conditions:
Multiple congenital exostosis (EXT). Also called: MULTIPLE CARTILAGINOUS EXOSTOSES; Multiple exostoses; Hereditary multiple osteochondromas; Hereditary multiple exostoses; Hereditary multiple exostosis; Multiple osteochondromas. Identifiers: Orphanet 321, MedGen C0015306, MONDO:0005508, HP:0002762.

Submission:

Labcorp Genetics (formerly Invitae), Labcorp
Classification: Pathogenic for Multiple congenital exostosis. Last evaluated: 2024-10-16. Review status: criteria provided, single submitter. Criteria: Invitae Variant Classification Sherloc (09022015). Collection method: clinical testing. Allele origin: germline.
Comment: This sequence change creates a premature translational stop signal (p.Arg142Glyfs*15) in the EXT1 gene. It is expected to result in an absent or disrupted protein product. Loss-of-function variants in EXT1 are known to be pathogenic (PMID: 10679937, 11391482, 19810120). This variant is not present in population databases (gnomAD no frequency). This variant has not been reported in the literature in individuals affected with EXT1-related conditions. For these reasons, this variant has been classified as Pathogenic.

Literature cited by the submitters: PubMed 10679937; PubMed 11391482; PubMed 19810120.